The following is an entry in ClinVar:

NM_004859.4(CLTC):c.3249+6T>C

Gene: CLTC (clathrin heavy chain; plus strand). Cytogenetic location: 17q23.1.
Variant type: single nucleotide variant.
Coding change: c.3249+6T>C on transcript NM_004859.4 (MANE Select); 6 bases into the intron after coding-DNA position 3249, T replaced by C.
Molecular consequence: intron variant.
Genome position (GRCh38, 1-based): chr17:59,681,484, T>C. VCF-style: chr17-59681484-T-C. GRCh37 (hg19) VCF-style: chr17-57758845-T-C.
Other names: c.3261+6T>C (NM_001288653.2).
Identifiers: ClinVar variation 2109424 (VCV002109424.4), dbSNP rs1168876032, ClinGen allele CA627145129.
Genomic context (GRCh38, chr17:59,681,484, plus strand): 5'-TGAAGAAGCATTTGCCATTTTCCGGAAATTTGATGTCAATACTTCAGCAGTTCAGGTAAA[T>C]CTTCAGATTACCTAAGTTGAATTACTAAACACTGTGCTATGAGGGTGGGCCTAATTGGTT-3'

ClinVar aggregate classification (germline): Uncertain significance (1 of 4 stars; one submission).

Allele frequency attached by ClinVar (database versions not stated): gnomAD exomes below 0.00001.

Submission:

Labcorp Genetics (formerly Invitae), Labcorp
Classification: Uncertain significance. Last evaluated: 2025-12-13. Review status: criteria provided, single submitter. Criteria: Invitae Variant Classification Sherloc (09022015). Collection method: clinical testing. Allele origin: germline.
Comment: This sequence change falls in intron 20 of the CLTC gene. It does not directly change the encoded amino acid sequence of the CLTC protein. It affects a nucleotide within the consensus splice site. This variant is present in population databases (no rsID available, gnomAD 0.003%). This variant has not been reported in the literature in individuals affected with CLTC-related conditions. ClinVar contains an entry for this variant (Variation ID: 2109424). Variants that disrupt the consensus splice site are a relatively common cause of aberrant splicing (PMID: 17576681, 9536098). Algorithms developed to predict the effect of sequence changes on RNA splicing suggest that this variant is not likely to affect RNA splicing. In summary, the available evidence is currently insufficient to determine the role of this variant in disease. Therefore, it has been classified as a Variant of Uncertain Significance.

Literature cited by the submitters: PubMed 17576681; PubMed 9536098.